The following is an entry in ClinVar:

ClinVar aggregate classification (germline): Conflicting classifications of pathogenicity. Review status: criteria provided, conflicting classifications (1 of 4 stars). 3 submissions from 3 submitters: Uncertain significance (1); Likely benign (2). Last evaluated 2025-09-23.

Conditions:
Inborn genetic diseases. Identifiers: MedGen C0950123, MeSH D030342.

Allele frequency attached by ClinVar (database versions not stated): ExAC 0.00001; gnomAD exomes 0.00003; TOPMed 0.00003; gnomAD 0.00005; ESP Exome Variant Server 0.00016.
gnomAD v4.1: 49 of 1,613,850 alleles (0.003%); highest among the groups gnomAD compares: Non-Finnish European, 0.004%; no homozygotes.

Submissions (3):

Labcorp Genetics (formerly Invitae), Labcorp
Classification: Likely benign. Last evaluated: 2025-09-23. Review status: criteria provided, single submitter. Criteria: Invitae Variant Classification Sherloc (09022015). Collection method: clinical testing. Allele origin: germline.

Ambry Genetics
Classification: Likely benign for Inborn genetic diseases. Last evaluated: 2023-12-21. Review status: criteria provided, single submitter. Criteria: Ambry Variant Classification Scheme 2023. Collection method: clinical testing. Allele origin: germline.

GeneDx
Classification: Uncertain significance. Last evaluated: 2016-03-08. Review status: criteria provided, single submitter. Criteria: GeneDx Variant Classification (06012015). Collection method: clinical testing. Allele origin: germline. Affected: yes.
Comment: The A1164V variant in the CACNA1E gene has not been reported previously as a pathogenic variant, nor as a benign variant, to our knowledge. The A1164V variant was not observed in the homozygous state or at any significant frequency in approximately 6300 individuals ofEuropean and African American ancestry by the NHLBI Exome Sequencing Project. The A1164V variant is a conservative amino acid substitution, which is not likely to impact secondary protein structure as these residues share similar properties. This substitution occurs at a position that is conserved across species. In silico analysis is inconsistent in its predictions as to whether or not the variant is damaging to the protein structure/function. We interpret A1164V as a variant of uncertain significance

NM_001205293.3(CACNA1E):c.3491C>T (p.Ala1164Val)

Gene: CACNA1E (calcium voltage-gated channel subunit alpha1 E; plus strand). Cytogenetic location: 1q25.3.
Variant type: single nucleotide variant.
Coding change: c.3491C>T on transcript NM_001205293.3 (MANE Select); coding-DNA position 3491, C replaced by T.
Protein change: p.Ala1164Val; replaces alanine 1164 with valine.
Molecular consequence: missense variant.
Genome position (GRCh38, 1-based): chr1:181,737,593, C>T. VCF-style: chr1-181737593-C-T. GRCh37 (hg19) VCF-style: chr1-181706729-C-T.
Other names: c.3491C>T, p.Ala1164Val (NM_000721.4); c.3434C>T, p.Ala1145Val (NM_001205294.2); c.3491C>T (NM_001205293.1); short protein forms A1164V, A1145V.
Identifiers: ClinVar variation 384367 (VCV000384367.9), dbSNP rs377232916, ClinGen allele CA1275578.